The following is an entry in ClinVar:

NM_144508.5(KNL1):c.6271C>A (p.Gln2091Lys)

Gene: KNL1 (kinetochore scaffold 1; plus strand). Cytogenetic location: 15q15.1.
Variant type: single nucleotide variant.
Coding change: c.6271C>A on transcript NM_144508.5 (MANE Select); coding-DNA position 6271, C replaced by A.
Protein change: p.Gln2091Lys; replaces glutamine 2091 with lysine.
Molecular consequence: missense variant.
Genome position (GRCh38, 1-based): chr15:40,651,529, C>A. VCF-style: chr15-40651529-C-A. GRCh37 (hg19) VCF-style: chr15-40943727-C-A.
Other names: c.6349C>A, p.Gln2117Lys (NM_170589.5); short protein forms Q2091K, Q2117K.
Identifiers: ClinVar variation 1703886 (VCV001703886.2), dbSNP rs1377753501, ClinGen allele CA391773420.

ClinVar aggregate classification (germline): Uncertain significance (1 of 4 stars; one submission).

Allele frequency attached by ClinVar (database versions not stated): gnomAD 0.00001; gnomAD exomes below 0.00001; TOPMed below 0.00001.
gnomAD v4.1: 2 of 1,609,056 alleles (0.00012%); highest among the groups gnomAD compares: Admixed American, 0.0034%; no homozygotes.

Submission:

GeneDx
Classification: Uncertain significance. Last evaluated: 2022-03-01. Review status: criteria provided, single submitter. Criteria: GeneDx Variant Classification Process June 2021. Collection method: clinical testing. Allele origin: germline. Affected: yes.
Comment: Not observed at significant frequency in large population cohorts (gnomAD); In silico analysis supports that this missense variant does not alter protein structure/function; Has not been previously published as pathogenic or benign to our knowledge